The following is an entry in ClinVar:

ClinVar aggregate classification (germline): Uncertain significance (1 of 4 stars; one submission).

gnomAD v4.1: 2 of 1,610,020 alleles (0.00012%); highest among the groups gnomAD compares: Non-Finnish European, 0.00017%; no homozygotes.

Submission:

GeneDx
Classification: Uncertain significance. Last evaluated: 2024-10-21. Review status: criteria provided, single submitter. Criteria: GeneDx Variant Classification Process June 2021. Collection method: clinical testing. Allele origin: germline. Affected: yes.
Comment: Not observed at significant frequency in large population cohorts (gnomAD); In silico analysis supports that this missense variant has a deleterious effect on protein structure/function; Has not been previously published as pathogenic or benign to our knowledge

NM_001042545.2(LTBP4):c.4154A>T (p.Tyr1385Phe)

Gene: LTBP4 (latent transforming growth factor beta binding protein 4; plus strand). Cytogenetic location: 19q13.2.
Variant type: single nucleotide variant.
Coding change: c.4154A>T on transcript NM_001042545.2 (MANE Select); coding-DNA position 4154, A replaced by T.
Protein change: p.Tyr1385Phe; replaces tyrosine 1385 with phenylalanine.
Molecular consequence: missense variant.
Genome position (GRCh38, 1-based): chr19:40,627,143, A>T. VCF-style: chr19-40627143-A-T. GRCh37 (hg19) VCF-style: chr19-41133048-A-T.
Other names: c.4355A>T, p.Tyr1452Phe (NM_001042544.1); c.4244A>T, p.Tyr1415Phe (NM_003573.2); short protein forms Y1385F, Y1415F, Y1452F.
Identifiers: ClinVar variation 3781297 (VCV003781297.1).